The following is an entry in ClinVar:

NM_000133.4(F9):c.136A>T (p.Arg46Trp)

Gene: F9 (coagulation factor IX; plus strand). Cytogenetic location: Xq27.1.
Variant type: single nucleotide variant.
Coding change: c.136A>T on transcript NM_000133.4 (MANE Select); coding-DNA position 136, A replaced by T.
Protein change: p.Arg46Trp; replaces arginine 46 with tryptophan.
Molecular consequence: missense variant.
Genome position (GRCh38, 1-based): chrX:139,537,057, A>T. VCF-style: chrX-139537057-A-T. GRCh37 (hg19) VCF-style: chrX-138619216-A-T.
Other names: c.136A>T, p.Arg46Trp (NM_001313913.2); short protein forms R46W.
Identifiers: ClinVar variation 3340055 (VCV003340055.1).

ClinVar aggregate classification (germline): Uncertain significance (1 of 4 stars; one submission).

Submission:

Women's Health and Genetics/Laboratory Corporation of America, LabCorp
Classification: Uncertain significance. Last evaluated: 2024-06-14. Review status: criteria provided, single submitter. Criteria: LabCorp Variant Classification Summary - May 2015. Collection method: clinical testing. Allele origin: germline.
Comment: Variant summary: F9 c.136A>T (p.Arg46Trp) results in a non-conservative amino acid change located in the EGF-like domain (IPR000742) of the encoded protein sequence. Five of five in-silico tools predict a damaging effect of the variant on protein function. The variant was absent in 181989 control chromosomes. The available data on variant occurrences in the general population are insufficient to allow any conclusion about variant significance. c.136A>T has been reported in the literature in an hemizygous individual affected with mild Factor IX Deficiency (Hemophilia B) (Borrs_Haemophilia_2022). These data do not allow any conclusion about variant significance. To our knowledge, no experimental evidence demonstrating an impact on protein function has been reported. The following publications have been ascertained in the context of this evaluation (PMID: 34708896). No submitters have cited clinical-significance assessments for this variant to ClinVar. Based on the evidence outlined above, the variant was classified as uncertain significance.

Literature cited by the submitters: PubMed 34708896; PubMed 30648777.